The following is an entry in ClinVar:

ClinVar aggregate classification (germline): Pathogenic (1 of 4 stars; one submission).

Submission:

Labcorp Genetics (formerly Invitae), Labcorp
Classification: Pathogenic. Last evaluated: 2024-04-05. Review status: criteria provided, single submitter. Criteria: Invitae Variant Classification Sherloc (09022015). Collection method: clinical testing. Allele origin: germline.
Comment: This sequence change creates a premature translational stop signal (p.Asn762Thrfs*57) in the PDE6B gene. It is expected to result in an absent or disrupted protein product. Loss-of-function variants in PDE6B are known to be pathogenic (PMID: 8394174, 8595886, 22334370). This variant is not present in population databases (gnomAD no frequency). This variant has not been reported in the literature in individuals affected with PDE6B-related conditions. For these reasons, this variant has been classified as Pathogenic.

Literature cited by the submitters: PubMed 8394174; PubMed 8595886; PubMed 22334370.

NM_000283.4(PDE6B):c.2283del (p.Asn762fs)

Gene: PDE6B (phosphodiesterase 6B; plus strand). Cytogenetic location: 4p16.3.
Variant type: Deletion.
Coding change: c.2283del on transcript NM_000283.4 (MANE Select); coding-DNA position 2283, one base deleted (G; older notation c.2283delG).
Protein change: p.Asn762fs; shifts the reading frame from asparagine 762.
Molecular consequence: frameshift variant.
Genome position (GRCh38, 1-based): chr4:666,545, G deleted; the last of 2 consecutive G bases (chr4:666,544-666,545); deleting either gives the same sequence. VCF-style (leftmost placement, unchanged base first): chr4-666543-CG-C. GRCh37 (hg19) VCF-style: chr4-660332-CG-C.
Other names: c.2283del, p.Asn762fs (NM_001145291.2); c.1446del, p.Asn483fs (NM_001145292.2, NM_001350154.3, NM_001379246.1 and 1 more transcripts); c.1128del, p.Asn377fs (NM_001350155.3); short protein forms N762fs, N377fs, N483fs.
Identifiers: ClinVar variation 3648930 (VCV003648930.2).